The following is an entry in ClinVar:

NM_001012720.2(RGR):c.63G>A (p.Met21Ile)

Gene: RGR (retinal G protein coupled receptor; plus strand). Cytogenetic location: 10q23.1.
Variant type: single nucleotide variant.
Coding change: c.63G>A on transcript NM_001012720.2 (MANE Select); coding-DNA position 63, G replaced by A.
Protein change: p.Met21Ile; replaces methionine 21 with isoleucine.
Molecular consequence: missense variant.
Genome position (GRCh38, 1-based): chr10:84,245,153, G>A. VCF-style: chr10-84245153-G-A. GRCh37 (hg19) VCF-style: chr10-86004909-G-A.
Other names: c.63G>A, p.Met21Ile (NM_001012722.2, NM_002921.4); short protein forms M21I.
Identifiers: ClinVar variation 1515601 (VCV001515601.8), dbSNP rs369719874, ClinGen allele CA5581282.

ClinVar aggregate classification (germline): Uncertain significance (1 of 4 stars; one submission).

Allele frequency attached by ClinVar (database versions not stated): ExAC 0.00001; gnomAD exomes 0.00001 and 0.00002; TOPMed 0.00001; ESP Exome Variant Server 0.00008.
gnomAD v4.1: 5 of 1,613,006 alleles (0.00031%); highest among the groups gnomAD compares: Non-Finnish European, 0.00025%; no homozygotes.

Submission:

Labcorp Genetics (formerly Invitae), Labcorp
Classification: Uncertain significance. Last evaluated: 2025-04-21. Review status: criteria provided, single submitter. Criteria: Invitae Variant Classification Sherloc (09022015). Collection method: clinical testing. Allele origin: germline.
Comment: This sequence change replaces methionine, which is neutral and non-polar, with isoleucine, which is neutral and non-polar, at codon 21 of the RGR protein (p.Met21Ile). This variant is present in population databases (rs369719874, gnomAD 0.004%). This variant has not been reported in the literature in individuals affected with RGR-related conditions. ClinVar contains an entry for this variant (Variation ID: 1515601). An algorithm developed to predict the effect of missense changes on protein structure and function outputs the following: PolyPhen-2: "Not Available". The isoleucine amino acid residue is found in multiple mammalian species, which suggests that this missense change does not adversely affect protein function. In summary, the available evidence is currently insufficient to determine the role of this variant in disease. Therefore, it has been classified as a Variant of Uncertain Significance.